The following is an entry in ClinVar:

ClinVar aggregate classification (germline): Uncertain significance (1 of 4 stars; one submission).

Allele frequency attached by ClinVar (database versions not stated): gnomAD exomes below 0.00001.

Submission:

Labcorp Genetics (formerly Invitae), Labcorp
Classification: Uncertain significance. Last evaluated: 2022-05-17. Review status: criteria provided, single submitter. Criteria: Invitae Variant Classification Sherloc (09022015). Collection method: clinical testing. Allele origin: germline.
Comment: Algorithms developed to predict the effect of missense changes on protein structure and function (SIFT, PolyPhen-2, Align-GVGD) all suggest that this variant is likely to be tolerated. In summary, the available evidence is currently insufficient to determine the role of this variant in disease. Therefore, it has been classified as a Variant of Uncertain Significance. This sequence change replaces alanine, which is neutral and non-polar, with serine, which is neutral and polar, at codon 518 of the PLK4 protein (p.Ala518Ser). This variant is present in population databases (no rsID available, gnomAD 0.003%). This variant has not been reported in the literature in individuals affected with PLK4-related conditions.

NM_014264.5(PLK4):c.1552G>T (p.Ala518Ser)

Gene: PLK4 (polo like kinase 4; plus strand). Cytogenetic location: 4q28.1.
Variant type: single nucleotide variant.
Coding change: c.1552G>T on transcript NM_014264.5 (MANE Select); coding-DNA position 1552, G replaced by T.
Protein change: p.Ala518Ser; replaces alanine 518 with serine.
Molecular consequence: missense variant.
Genome position (GRCh38, 1-based): chr4:127,889,958, G>T. VCF-style: chr4-127889958-G-T. GRCh37 (hg19) VCF-style: chr4-128811113-G-T.
Other names: c.1456G>T, p.Ala486Ser (NM_001190799.2); c.1429G>T, p.Ala477Ser (NM_001190801.2); short protein forms A477S, A486S, A518S.
Identifiers: ClinVar variation 1995645 (VCV001995645.4), dbSNP rs1435783866, ClinGen allele CA358155597.